The following is an entry in ClinVar:

ClinVar aggregate classification (germline): Uncertain significance (1 of 4 stars; one submission).

Submission:

CeGaT Center for Human Genetics Tuebingen
Classification: Uncertain significance. Last evaluated: 2024-08-01. Review status: criteria provided, single submitter. Criteria: CeGaT Center For Human Genetics Tuebingen Variant Classification Criteria Version 2. Collection method: clinical testing. Allele origin: germline. Affected: yes. Observed: 1 variant allele.
Comment: TTN: PM2, PM4:Supporting

NM_001267550.2(TTN):c.60083_60085dup (p.Lys20028_Thr20029insLys)

Genes: TTN (titin; minus strand), TTN-AS1 (TTN antisense RNA 1; plus strand), LOC126806424 (CDK7 strongly-dependent group 2 enhancer GRCh37_chr2:179456337-179457536; plus strand). Cytogenetic location: 2q31.2.
Variant type: Duplication.
Coding change: c.60083_60085dup on transcript NM_001267550.2 (MANE Select); coding-DNA positions 60083 to 60085, 3 bases duplicated (AGA; older notation c.60083_60085dupAGA).
Protein change: p.Lys20028_Thr20029insLys.
Molecular consequence: inframe insertion.
Genome position (GRCh38, 1-based): chr2:178,591,734-178,591,736, TCT duplicated on the plus strand (AGA on the coding strand, the reverse complement: TTN is on the minus strand); duplicating any 3 consecutive bases within chr2:178,591,734-178,591,737 gives the same sequence; the c. name uses the placement nearest the transcript's 3' end. VCF-style (leftmost placement, unchanged base first): chr2-178591733-G-GTCT. GRCh37 (hg19) VCF-style: chr2-179456460-G-GTCT.
Other names: c.55160_55162dup, p.Lys18387_Thr18388insLys (NM_001256850.1); c.32888_32890dup, p.Lys10963_Thr10964insLys (NM_003319.4); c.52379_52381dup, p.Lys17460_Thr17461insLys (NM_133378.4); c.33263_33265dup, p.Lys11088_Thr11089insLys (NM_133432.3); c.33464_33466dup, p.Lys11155_Thr11156insLys (NM_133437.4).
Identifiers: ClinVar variation 3342135 (VCV003342135.16).
Genomic context (GRCh38, chr2:178,591,733, plus strand): 5'-CGGAATCTATAGGTCTTTCCTTGTTGTAGTCCAGTAACCACACACTCTAAGTTTGTCACA[G>GTCT]TCTTAAATTTAATCCAGTCCTGGGTGCCTTCTTCTTGATATTCTACCAAATATCCAGTGA-3'